The following is an entry in ClinVar:

ClinVar aggregate classification (germline): Uncertain significance. Review status: criteria provided, multiple submitters, no conflicts (2 of 4 stars). 3 submissions from 3 submitters: Uncertain significance (3). Last evaluated 2025-12-17.

Submissions (3):

Labcorp Genetics (formerly Invitae), Labcorp
Classification: Uncertain significance. Last evaluated: 2025-12-17. Review status: criteria provided, single submitter. Criteria: Invitae Variant Classification Sherloc (09022015). Collection method: clinical testing. Allele origin: germline.
Comment: This variant, c.1265_1276dup, results in the insertion of 4 amino acid(s) of the RIMS1 protein (p.Pro422_Pro425dup), but otherwise preserves the integrity of the reading frame. This variant is present in population databases (no rsID available, gnomAD 0.06%). This variant has not been reported in the literature in individuals affected with RIMS1-related conditions. ClinVar contains an entry for this variant (Variation ID: 845167). Experimental studies and prediction algorithms are not available or were not evaluated, and the functional significance of this variant is currently unknown. In summary, the available evidence is currently insufficient to determine the role of this variant in disease. Therefore, it has been classified as a Variant of Uncertain Significance.

Blueprint Genetics
Classification: Uncertain significance. Last evaluated: 2024-09-10. Review status: criteria provided, single submitter. Criteria: ACMG Guidelines, 2015. Collection method: clinical testing. Allele origin: germline.

Breakthrough Genomics
Classification: Uncertain significance. Review status: criteria provided, single submitter. Criteria: ACMG Guidelines, 2015. Collection method: not provided. Allele origin: germline. Inheritance: Autosomal dominant inheritance. Affected: yes.

NM_014989.7(RIMS1):c.1265_1276dup (p.Pro422_Pro425dup)

Gene: RIMS1 (regulating synaptic membrane exocytosis 1; plus strand). Cytogenetic location: 6q13.
Variant type: Duplication.
Coding change: c.1265_1276dup on transcript NM_014989.7 (MANE Select); coding-DNA positions 1265 to 1276, 12 bases duplicated (CGGACTCGCCGC).
Protein change: p.Pro422_Pro425dup.
Molecular consequence: inframe insertion.
Genome position (GRCh38, 1-based): chr6:72,182,736-72,182,747, CGGACTCGCCGC duplicated; duplicating any 12 consecutive bases within chr6:72,182,728-72,182,747 gives the same sequence; the c. name uses the placement nearest the transcript's 3' end. VCF-style (leftmost placement, unchanged base first): chr6-72182727-C-CCTCGCCGCCGGA. GRCh37 (hg19) VCF-style: chr6-72892430-C-CCTCGCCGCCGGA.
Identifiers: ClinVar variation 845167 (VCV000845167.9), dbSNP rs1386779788, ClinGen allele CA568120297.